The following is an entry in ClinVar:

NM_014339.7(IL17RA):c.1565G>A (p.Arg522Gln)

Gene: IL17RA (interleukin 17 receptor A; plus strand). Cytogenetic location: 22q11.1.
Variant type: single nucleotide variant.
Coding change: c.1565G>A on transcript NM_014339.7 (MANE Select); coding-DNA position 1565, G replaced by A.
Protein change: p.Arg522Gln; replaces arginine 522 with glutamine.
Molecular consequence: missense variant.
Genome position (GRCh38, 1-based): chr22:17,108,784, G>A. VCF-style: chr22-17108784-G-A. GRCh37 (hg19) VCF-style: chr22-17589674-G-A.
Other names: c.1463G>A, p.Arg488Gln (NM_001289905.2); c.1565G>A (NM_014339.5); short protein forms R488Q, R522Q.
Identifiers: ClinVar variation 654770 (VCV000654770.9), dbSNP rs372510142, ClinGen allele CA10086795.
Genomic context (GRCh38, chr22:17,108,784, plus strand): 5'-GCTACTTCAGCGAGGTCAGCTGTGACGGCGACGTCCCCGACCTGTTCGGCGCGGCGCCGC[G>A]GTACCCGCTCATGGACAGGTTCGAGGAGGTGTACTTCCGCATCCAGGACCTGGAGATGTT-3'
Protein context (NP_055154.3, residues 512-532): DVPDLFGAAP[Arg522Gln]YPLMDRFEEV

ClinVar aggregate classification (germline): Uncertain significance. Review status: criteria provided, multiple submitters, no conflicts (2 of 4 stars). 2 submissions from 2 submitters: Uncertain significance (2). Last evaluated 2022-09-17.

Conditions:
Immunodeficiency 51 (IMD51). Also called: CANDIDIASIS, FAMILIAL, 5. Identifiers: Orphanet 1334, MedGen C4310803, MONDO:0013500, OMIM 613953.

Allele frequency attached by ClinVar (database versions not stated): ExAC 0.00003; TOPMed 0.00012; gnomAD 0.00009 and 0.00007; gnomAD exomes 0.00002; ESP Exome Variant Server 0.00008.
gnomAD v4.1: 35 of 1,607,886 alleles (0.0022%); highest among the groups gnomAD compares: African/African-American, 0.037%; no homozygotes.

Submissions (2):

Labcorp Genetics (formerly Invitae), Labcorp
Classification: Uncertain significance for Immunodeficiency 51. Last evaluated: 2022-09-17. Review status: criteria provided, single submitter. Criteria: Invitae Variant Classification Sherloc (09022015). Collection method: clinical testing. Allele origin: germline.
Comment: In summary, the available evidence is currently insufficient to determine the role of this variant in disease. Therefore, it has been classified as a Variant of Uncertain Significance. Algorithms developed to predict the effect of sequence changes on RNA splicing suggest that this variant may create or strengthen a splice site. Advanced modeling of protein sequence and biophysical properties (such as structural, functional, and spatial information, amino acid conservation, physicochemical variation, residue mobility, and thermodynamic stability) performed at Invitae indicates that this missense variant is not expected to disrupt IL17RA protein function. ClinVar contains an entry for this variant (Variation ID: 654770). This variant has not been reported in the literature in individuals affected with IL17RA-related conditions. This variant is present in population databases (rs372510142, gnomAD 0.02%). This sequence change replaces arginine, which is basic and polar, with glutamine, which is neutral and polar, at codon 522 of the IL17RA protein (p.Arg522Gln).

Ambry Genetics
Classification: Uncertain significance. Last evaluated: 2022-06-09. Review status: criteria provided, single submitter. Criteria: Ambry Variant Classification Scheme 2023. Collection method: clinical testing. Allele origin: germline.